The following is an entry in ClinVar:

ClinVar aggregate classification (germline): Uncertain significance (1 of 4 stars; one submission).

Allele frequency attached by ClinVar (database versions not stated): gnomAD 0.00001; 1000 Genomes Project 30x 0.00016; 1000 Genomes Project 0.00020.

Submission:

Institute for Clinical Genetics, University Hospital TU Dresden, University Hospital TU Dresden
Classification: Uncertain significance. Last evaluated: 2021-12-29. Review status: criteria provided, single submitter. Criteria: ACMG Guidelines, 2015. Collection method: clinical testing. Allele origin: maternal.
Comment: PM2_SUP

NM_001370466.1(NOD2):c.2036G>A (p.Cys679Tyr)

Gene: NOD2 (nucleotide binding oligomerization domain containing 2; plus strand). Cytogenetic location: 16q12.1.
Variant type: single nucleotide variant.
Coding change: c.2036G>A on transcript NM_001370466.1 (MANE Select); coding-DNA position 2036, G replaced by A.
Protein change: p.Cys679Tyr; replaces cysteine 679 with tyrosine.
Molecular consequence: missense variant. On other transcripts: non-coding transcript variant (1).
Genome position (GRCh38, 1-based): chr16:50,712,028, G>A. VCF-style: chr16-50712028-G-A. GRCh37 (hg19) VCF-style: chr16-50745939-G-A.
Other names: c.2036G>A, p.Cys679Tyr (NM_001293557.2); c.2117G>A, p.Cys706Tyr (NM_022162.3); short protein forms C679Y, C706Y.
Identifiers: ClinVar variation 2576189 (VCV002576189.1), dbSNP rs539297110, ClinGen allele CA8051700.